The following is an entry in ClinVar:

NM_152443.3(RDH12):c.757C>A (p.Pro253Thr)

Genes: GPHN (gephyrin; plus strand), RDH12 (retinol dehydrogenase 12; plus strand), ZFYVE26 (zinc finger FYVE-type containing 26; minus strand). Cytogenetic location: 14q24.1.
Variant type: single nucleotide variant.
Coding change: c.757C>A on transcript NM_152443.3 (MANE Select); coding-DNA position 757, C replaced by A.
Protein change: p.Pro253Thr; replaces proline 253 with threonine.
Molecular consequence: missense variant.
Genome position (GRCh38, 1-based): chr14:67,729,289, C>A. VCF-style: chr14-67729289-C-A. GRCh37 (hg19) VCF-style: chr14-68196006-C-A.
Other names: short protein forms P253T.
Identifiers: ClinVar variation 1475564 (VCV001475564.9), dbSNP rs943754830, ClinGen allele CA262810138.

ClinVar aggregate classification (germline): Uncertain significance. Review status: criteria provided, multiple submitters, no conflicts (2 of 4 stars). 3 submissions from 3 submitters: Uncertain significance (3). Last evaluated 2025-09-27.

Conditions:
Inborn genetic diseases. Identifiers: MedGen C0950123, MeSH D030342.
Leber congenital amaurosis 13 (LCA13). Identifiers: MedGen C2675186, MONDO:0012990, OMIM 612712.

Allele frequency attached by ClinVar (database versions not stated): gnomAD exomes below 0.00001 and 0.00002.
gnomAD v4.1: 27 of 1,604,550 alleles (0.0017%); highest among the groups gnomAD compares: Admixed American, 0.005%; no homozygotes.

Submissions (3):

Labcorp Genetics (formerly Invitae), Labcorp
Classification: Uncertain significance for Leber congenital amaurosis 13. Last evaluated: 2025-09-27. Review status: criteria provided, single submitter. Criteria: Invitae Variant Classification Sherloc (09022015). Collection method: clinical testing. Allele origin: germline.
Comment: This sequence change replaces proline, which is neutral and non-polar, with threonine, which is neutral and polar, at codon 253 of the RDH12 protein (p.Pro253Thr). The frequency data for this variant in the population databases is considered unreliable, as metrics indicate poor data quality at this position in the gnomAD database. This variant has not been reported in the literature in individuals affected with RDH12-related conditions. ClinVar contains an entry for this variant (Variation ID: 1475564). Invitae Evidence Modeling of protein sequence and biophysical properties (such as structural, functional, and spatial information, amino acid conservation, physicochemical variation, residue mobility, and thermodynamic stability) indicates that this missense variant is not expected to disrupt RDH12 protein function with a negative predictive value of 80%. In summary, the available evidence is currently insufficient to determine the role of this variant in disease. Therefore, it has been classified as a Variant of Uncertain Significance.

Ambry Genetics
Classification: Uncertain significance for Inborn genetic diseases. Last evaluated: 2024-11-08. Review status: criteria provided, single submitter. Criteria: Ambry Variant Classification Scheme 2023. Collection method: clinical testing. Allele origin: germline.

Fulgent Genetics
Classification: Uncertain significance for Leber congenital amaurosis 13. Last evaluated: 2021-07-16. Review status: criteria provided, single submitter. Criteria: ACMG Guidelines, 2015. Collection method: clinical testing. Allele origin: unknown.